The following is an entry in ClinVar:

NM_000168.6(GLI3):c.877_881del (p.Thr293fs)

Gene: GLI3 (GLI family zinc finger 3; minus strand). Cytogenetic location: 7p14.1.
Variant type: Deletion.
Coding change: c.877_881del on transcript NM_000168.6 (MANE Select); coding-DNA positions 877 to 881, 5 bases deleted (ACACT; older notation c.877_881delACACT).
Protein change: p.Thr293fs; shifts the reading frame from threonine 293.
Molecular consequence: frameshift variant.
Genome position (GRCh38, 1-based): chr7:42,040,185-42,040,189, AGTGT deleted on the plus strand (ACACT on the coding strand, the reverse complement: GLI3 is on the minus strand); deleting any 5 consecutive bases within chr7:42,040,185-42,040,190 gives the same sequence; the c. name uses the placement nearest the transcript's 3' end. VCF-style (leftmost placement, unchanged base first): chr7-42040184-CAGTGT-C. GRCh37 (hg19) VCF-style: chr7-42079783-CAGTGT-C.
Other names: short protein forms T293fs.
Identifiers: ClinVar variation 857479 (VCV000857479.7), dbSNP rs1784103216, ClinGen allele CA916082927.

ClinVar aggregate classification (germline): Pathogenic (1 of 4 stars; one submission).

Conditions:
Greig cephalopolysyndactyly syndrome (GCPS). Also called: POLYSYNDACTYLY WITH PECULIAR SKULL SHAPE; Greig syndrome; GLI3-Related Greig Cephalopolysyndactyly Syndrome. Identifiers: Orphanet 380, MedGen C0265306, MONDO:0008287, OMIM 175700.
Pallister-Hall syndrome (PHS). Also called: HYPOTHALAMIC HAMARTOBLASTOMA, HYPOPITUITARISM, IMPERFORATE ANUS, AND POSTAXIAL POLYDACTYLY; GLI3-Related Pallister-Hall Syndrome. Identifiers: Orphanet 672, MedGen C0265220, MONDO:0007804, OMIM 146510.

Submission:

Labcorp Genetics (formerly Invitae), Labcorp
Classification: Pathogenic for Pallister-Hall syndrome; Greig cephalopolysyndactyly syndrome. Last evaluated: 2019-04-27. Review status: criteria provided, single submitter. Criteria: Invitae Variant Classification Sherloc (09022015). Collection method: clinical testing. Allele origin: germline.
Comment: For these reasons, this variant has been classified as Pathogenic. Loss-of-function variants in GLI3 are known to be pathogenic (PMID: 10441570, 15739154, 18000979, 24736735). This variant has not been reported in the literature in individuals with GLI3-related conditions. This variant is not present in population databases (ExAC no frequency). This sequence change creates a premature translational stop signal (p.Thr293Valfs*9) in the GLI3 gene. It is expected to result in an absent or disrupted protein product.

Literature cited by the submitters: PubMed 10441570; PubMed 15739154; PubMed 18000979; PubMed 24736735.